The following is an entry in ClinVar:

ClinVar aggregate classification (germline): Uncertain significance (1 of 4 stars; one submission).

Allele frequency attached by ClinVar (database versions not stated): gnomAD exomes below 0.00001; TOPMed below 0.00001.
gnomAD v4.1: 5 of 1,611,592 alleles (0.00031%); highest among the groups gnomAD compares: Non-Finnish European, 0.00042%; no homozygotes.

Submission:

Labcorp Genetics (formerly Invitae), Labcorp
Classification: Uncertain significance. Last evaluated: 2023-12-07. Review status: criteria provided, single submitter. Criteria: Invitae Variant Classification Sherloc (09022015). Collection method: clinical testing. Allele origin: germline.
Comment: This sequence change falls in intron 46 of the CDH23 gene. It does not directly change the encoded amino acid sequence of the CDH23 protein. It affects a nucleotide within the consensus splice site. This variant is not present in population databases (gnomAD no frequency). This variant has not been reported in the literature in individuals affected with CDH23-related conditions. ClinVar contains an entry for this variant (Variation ID: 1500018). Variants that disrupt the consensus splice site are a relatively common cause of aberrant splicing (PMID: 17576681, 9536098). Algorithms developed to predict the effect of sequence changes on RNA splicing suggest that this variant is not likely to affect RNA splicing. In summary, the available evidence is currently insufficient to determine the role of this variant in disease. Therefore, it has been classified as a Variant of Uncertain Significance.

Literature cited by the submitters: PubMed 17576681; PubMed 9536098.

NM_022124.6(CDH23):c.6049+6G>A

Gene: CDH23 (cadherin related 23; plus strand). Cytogenetic location: 10q22.1.
Variant type: single nucleotide variant.
Coding change: c.6049+6G>A on transcript NM_022124.6 (MANE Select); 6 bases into the intron after coding-DNA position 6049, G replaced by A.
Molecular consequence: intron variant.
Genome position (GRCh38, 1-based): chr10:71,790,419, G>A. VCF-style: chr10-71790419-G-A. GRCh37 (hg19) VCF-style: chr10-73550176-G-A.
Identifiers: ClinVar variation 1500018 (VCV001500018.6), dbSNP rs1841215977, ClinGen allele CA1918870434.